The following is an entry in ClinVar:

ClinVar aggregate classification (germline): Pathogenic/Likely pathogenic. Review status: criteria provided, multiple submitters, no conflicts (2 of 4 stars). 3 submissions from 3 submitters: Pathogenic (2); Likely pathogenic (1). Last evaluated 2025-06-11.

Conditions:
Birt-Hogg-Dube syndrome 1 (BHD1). Also called: FIBROFOLLICULOMAS WITH TRICHODISCOMAS AND ACROCHORDONS. Identifiers: Orphanet 122, MedGen CN375946, MONDO:0800445, OMIM 135150.

Submissions (3):

Myriad Genetics, Inc.
Classification: Pathogenic for Birt-Hogg-Dube syndrome 1. Last evaluated: 2025-06-11. Review status: criteria provided, single submitter. Criteria: Myriad Autosomal Dominant, Autosomal Recessive and X-Linked Classification Criteria (2023). Collection method: clinical testing. Allele origin: unknown.
Comment: This variant is considered pathogenic. This variant creates a frameshift predicted to result in premature protein truncation.

Quest Diagnostics Nichols Institute San Juan Capistrano
Classification: Pathogenic. Last evaluated: 2024-10-28. Review status: criteria provided, single submitter. Criteria: Quest Diagnostics criteria. Collection method: clinical testing. Allele origin: unknown.
Comment: The FLCN c.1150_1160del (p.Val384Phefs*2) variant alters the translational reading frame of the FLCN mRNA and causes the premature termination of FLCN protein synthesis. This variant has been reported in the published literature in an individual with Birt-Hogg-Dube (BHD) syndrome (PMID: 35477461 (2022)). This variant has not been reported in large, multi-ethnic general populations (Genome Aggregation Database). Based on the available information, this variant is classified as pathogenic.

Mayo Clinic Laboratories, Mayo Clinic
Classification: Likely pathogenic. Last evaluated: 2023-06-07. Review status: criteria provided, single submitter. Criteria: ACMG Guidelines, 2015. Collection method: clinical testing. Allele origin: germline. Observed: 1 variant allele.
Comment: PM2, PVS1

Literature cited by the submitters: PubMed 35477461 (cited by Quest Diagnostics Nichols Institute San Juan Capistrano and Mayo Clinic Laboratories, Mayo Clinic).

NM_144997.7(FLCN):c.1150_1160del (p.Val384fs)

Gene: FLCN (folliculin; minus strand). Cytogenetic location: 17p11.2.
Variant type: Deletion.
Coding change: c.1150_1160del on transcript NM_144997.7 (MANE Select); coding-DNA positions 1150 to 1160, 11 bases deleted (GTCCAGTCAGC).
Protein change: p.Val384fs; shifts the reading frame from valine 384.
Molecular consequence: frameshift variant.
Genome position (GRCh38, 1-based): chr17:17,217,085-17,217,095, GCTGACTGGAC deleted on the plus strand (GTCCAGTCAGC on the coding strand, the reverse complement: FLCN is on the minus strand); deleting any 11 consecutive bases within chr17:17,217,085-17,217,096 gives the same sequence; the c. name uses the placement nearest the transcript's 3' end. VCF-style (leftmost placement, unchanged base first): chr17-17217084-AGCTGACTGGAC-A. GRCh37 (hg19) VCF-style: chr17-17120398-AGCTGACTGGAC-A.
Other names: p.Val384Phefs*2; c.1204_1214del, p.Val402fs (NM_001353229.2); c.1150_1160del, p.Val384fs (NM_001353230.2, NM_001353231.2); c.1150_1160del (NM_144997.6); short protein forms V384fs, V402fs.
Identifiers: ClinVar variation 2683678 (VCV002683678.3), dbSNP rs2544172290, ClinGen allele CA2695224431.